The following is an entry in ClinVar:

ClinVar aggregate classification (germline): Conflicting classifications of pathogenicity. Review status: criteria provided, conflicting classifications (1 of 4 stars). 4 submissions from 4 submitters: Uncertain significance (2); Likely benign (1). 1 of the submissions does not count toward it. Last evaluated 2026-06-01.

Conditions:
PTPN22-related disorder. Also called: PTPN22-related condition.

Allele frequency attached by ClinVar (database versions not stated): 1000 Genomes Project 30x 0.00297; 1000 Genomes Project 0.00300; TOPMed 0.00381; ESP Exome Variant Server 0.00431; ExAC 0.00534; gnomAD exomes 0.00581 and 0.00632; gnomAD 0.00582 and 0.00600.
gnomAD v4.1: 9,737 of 1,561,324 alleles (0.62%); highest among the groups gnomAD compares: Non-Finnish European, 0.65%; 61 homozygotes.

Submissions 1 to 31 of 53:

CeGaT Center for Human Genetics Tuebingen
Classification: Likely benign. Last evaluated: 2026-06-01. Review status: criteria provided, single submitter. Criteria: CeGaT Center For Human Genetics Tuebingen Variant Classification Criteria Version 2. Collection method: clinical testing. Allele origin: germline. Affected: yes. Observed: 9 variant alleles.
Comment: PTPN22: PP3, BS2

Genomic Diagnostic Laboratory, Division of Genomic Diagnostics, Children's Hospital of Philadelphia
Classification: Uncertain significance. Last evaluated: 2015-06-11. Review status: criteria provided, single submitter. Criteria: DGD Variant Analysis Guidelines. Collection method: clinical testing. Allele origin: unknown.

Breakthrough Genomics
Classification: Uncertain significance. Review status: criteria provided, single submitter. Criteria: ACMG Guidelines, 2015. Collection method: not provided. Allele origin: germline. Inheritance: Autosomal recessive inheritance. Affected: yes.

PreventionGenetics, part of Exact Sciences
Classification: Likely benign for PTPN22-related condition. Last evaluated: 2024-08-21. Review status: no assertion criteria provided. Collection method: clinical testing. Allele origin: germline. Not counted in ClinVar's aggregate classification.
Comment: This variant is classified as likely benign based on ACMG/AMP sequence variant interpretation guidelines (Richards et al. 2015 PMID: 25741868, with internal and published modifications).

Dr. Peter K. Rogan Lab, Western University
No classification provided (evidence only). Condition: Clear cell carcinoma of kidney. Review status: no classification provided. Collection method: in vitro. Allele origin: not applicable. Functional consequence: retained intron. Not counted in ClinVar's aggregate classification.

Dr. Peter K. Rogan Lab, Western University
No classification provided (evidence only). Condition: Lung cancer. Review status: no classification provided. Collection method: in vitro. Allele origin: not applicable. Functional consequence: retained intron. Not counted in ClinVar's aggregate classification.

Dr. Peter K. Rogan Lab, Western University
No classification provided (evidence only). Condition: Familial cancer of breast. Review status: no classification provided. Collection method: in vitro. Allele origin: not applicable. Functional consequence: retained intron. Not counted in ClinVar's aggregate classification.

Dr. Peter K. Rogan Lab, Western University
No classification provided (evidence only). Condition: Familial cancer of breast. Review status: no classification provided. Collection method: in vitro. Allele origin: not applicable. Functional consequence: retained intron. Not counted in ClinVar's aggregate classification.

Dr. Peter K. Rogan Lab, Western University
No classification provided (evidence only). Condition: Colon adenocarcinoma. Review status: no classification provided. Collection method: in vitro. Allele origin: not applicable. Functional consequence: retained intron. Not counted in ClinVar's aggregate classification.

Dr. Peter K. Rogan Lab, Western University
No classification provided (evidence only). Condition: Colorectal cancer. Review status: no classification provided. Collection method: in vitro. Allele origin: not applicable. Functional consequence: retained intron. Not counted in ClinVar's aggregate classification.

Dr. Peter K. Rogan Lab, Western University
No classification provided (evidence only). Condition: Lung cancer. Review status: no classification provided. Collection method: in vitro. Allele origin: not applicable. Functional consequence: retained intron. Not counted in ClinVar's aggregate classification.

Dr. Peter K. Rogan Lab, Western University
No classification provided (evidence only). Condition: Lung cancer. Review status: no classification provided. Collection method: in vitro. Allele origin: not applicable. Functional consequence: retained intron. Not counted in ClinVar's aggregate classification.

Dr. Peter K. Rogan Lab, Western University
No classification provided (evidence only). Condition: Familial cancer of breast. Review status: no classification provided. Collection method: in vitro. Allele origin: not applicable. Functional consequence: retained intron. Not counted in ClinVar's aggregate classification.

Dr. Peter K. Rogan Lab, Western University
No classification provided (evidence only). Condition: Lung cancer. Review status: no classification provided. Collection method: in vitro. Allele origin: not applicable. Functional consequence: retained intron. Not counted in ClinVar's aggregate classification.

Dr. Peter K. Rogan Lab, Western University
No classification provided (evidence only). Condition: Melanoma. Review status: no classification provided. Collection method: in vitro. Allele origin: not applicable. Functional consequence: retained intron. Not counted in ClinVar's aggregate classification.

Dr. Peter K. Rogan Lab, Western University
No classification provided (evidence only). Condition: Familial cancer of breast. Review status: no classification provided. Collection method: in vitro. Allele origin: not applicable. Functional consequence: retained intron. Not counted in ClinVar's aggregate classification.

Dr. Peter K. Rogan Lab, Western University
No classification provided (evidence only). Condition: Familial cancer of breast. Review status: no classification provided. Collection method: in vitro. Allele origin: not applicable. Functional consequence: retained intron. Not counted in ClinVar's aggregate classification.

Dr. Peter K. Rogan Lab, Western University
No classification provided (evidence only). Condition: Melanoma. Review status: no classification provided. Collection method: in vitro. Allele origin: not applicable. Functional consequence: retained intron. Not counted in ClinVar's aggregate classification.

Dr. Peter K. Rogan Lab, Western University
No classification provided (evidence only). Condition: Melanoma. Review status: no classification provided. Collection method: in vitro. Allele origin: not applicable. Functional consequence: retained intron. Not counted in ClinVar's aggregate classification.

Dr. Peter K. Rogan Lab, Western University
No classification provided (evidence only). Condition: Familial cancer of breast. Review status: no classification provided. Collection method: in vitro. Allele origin: not applicable. Functional consequence: retained intron. Not counted in ClinVar's aggregate classification.

Dr. Peter K. Rogan Lab, Western University
No classification provided (evidence only). Condition: Colon adenocarcinoma. Review status: no classification provided. Collection method: in vitro. Allele origin: not applicable. Functional consequence: retained intron. Not counted in ClinVar's aggregate classification.

Dr. Peter K. Rogan Lab, Western University
No classification provided (evidence only). Condition: Thyroid cancer, nonmedullary, 1. Review status: no classification provided. Collection method: in vitro. Allele origin: not applicable. Functional consequence: retained intron. Not counted in ClinVar's aggregate classification.

Dr. Peter K. Rogan Lab, Western University
No classification provided (evidence only). Condition: Uterine corpus endometrial carcinoma. Review status: no classification provided. Collection method: in vitro. Allele origin: not applicable. Functional consequence: retained intron. Not counted in ClinVar's aggregate classification.

Dr. Peter K. Rogan Lab, Western University
No classification provided (evidence only). Condition: Ovarian serous cystadenocarcinoma. Review status: no classification provided. Collection method: in vitro. Allele origin: not applicable. Functional consequence: retained intron. Not counted in ClinVar's aggregate classification.

Dr. Peter K. Rogan Lab, Western University
No classification provided (evidence only). Condition: Ovarian serous cystadenocarcinoma. Review status: no classification provided. Collection method: in vitro. Allele origin: not applicable. Functional consequence: retained intron. Not counted in ClinVar's aggregate classification.

Dr. Peter K. Rogan Lab, Western University
No classification provided (evidence only). Condition: Gastric cancer. Review status: no classification provided. Collection method: in vitro. Allele origin: not applicable. Functional consequence: retained intron. Not counted in ClinVar's aggregate classification.

Dr. Peter K. Rogan Lab, Western University
No classification provided (evidence only). Condition: Gastric cancer. Review status: no classification provided. Collection method: in vitro. Allele origin: not applicable. Functional consequence: retained intron. Not counted in ClinVar's aggregate classification.

Dr. Peter K. Rogan Lab, Western University
No classification provided (evidence only). Condition: Nonpapillary renal cell carcinoma. Review status: no classification provided. Collection method: in vitro. Allele origin: not applicable. Functional consequence: retained intron. Not counted in ClinVar's aggregate classification.

Dr. Peter K. Rogan Lab, Western University
No classification provided (evidence only). Condition: Familial pancreatic carcinoma. Review status: no classification provided. Collection method: in vitro. Allele origin: not applicable. Functional consequence: retained intron. Not counted in ClinVar's aggregate classification.

Dr. Peter K. Rogan Lab, Western University
No classification provided (evidence only). Condition: Colorectal cancer. Review status: no classification provided. Collection method: in vitro. Allele origin: not applicable. Functional consequence: retained intron. Not counted in ClinVar's aggregate classification.

Dr. Peter K. Rogan Lab, Western University
No classification provided (evidence only). Condition: Thyroid cancer, nonmedullary, 1. Review status: no classification provided. Collection method: in vitro. Allele origin: not applicable. Functional consequence: retained intron. Not counted in ClinVar's aggregate classification.

NM_015967.8(PTPN22):c.2250G>C (p.Lys750Asn)

Genes: AP4B1-AS1 (AP4B1 antisense RNA 1; plus strand), PTPN22 (protein tyrosine phosphatase non-receptor type 22; minus strand). Cytogenetic location: 1p13.2.
Variant type: single nucleotide variant.
Coding change: c.2250G>C on transcript NM_015967.8 (MANE Select); coding-DNA position 2250, G replaced by C.
Protein change: p.Lys750Asn; replaces lysine 750 with asparagine.
Molecular consequence: missense variant.
Genome position (GRCh38, 1-based): chr1:113,829,592, C>G on the plus strand (G>C on the coding strand, the complement: PTPN22 is on the minus strand). VCF-style: chr1-113829592-C-G. GRCh37 (hg19) VCF-style: chr1-114372214-C-G.
Other names: NC_000001.10:g.114372214C>G; c.2250G>C (NM_015967.6); c.2166G>C, p.Lys722Asn (NM_001193431.3); c.2178G>C, p.Lys726Asn (NM_001308297.2); c.2085G>C, p.Lys695Asn (NM_012411.6); short protein forms K750N, K726N, K695N, K722N.
Identifiers: ClinVar variation 218728 (VCV000218728.28), dbSNP rs56048322, ClinGen allele CA249375.